The following is an entry in ClinVar:

ClinVar aggregate classification (germline): Uncertain significance (1 of 4 stars; one submission).

Conditions:
Familial thoracic aortic aneurysm and aortic dissection (TAAD). Also called: Thoracic aortic aneurysms and dissections. Identifiers: Orphanet 91387, MedGen C4707243, MONDO:0019625.

Submission:

Ambry Genetics
Classification: Uncertain significance for Familial thoracic aortic aneurysm and aortic dissection. Last evaluated: 2025-03-23. Review status: criteria provided, single submitter. Criteria: Ambry Variant Classification Scheme 2023. Collection method: clinical testing. Allele origin: germline.
Comment: The p.H225L variant (also known as c.674A>T), located in coding exon 4 of the TGFB2 gene, results from an A to T substitution at nucleotide position 674. The histidine at codon 225 is replaced by leucine, an amino acid with similar properties. This amino acid position is conserved. In addition, this alteration is predicted to be deleterious by in silico analysis. Based on the available evidence, the clinical significance of this variant remains unclear.

NM_003238.6(TGFB2):c.674A>T (p.His225Leu)

Gene: TGFB2 (transforming growth factor beta 2; plus strand). Cytogenetic location: 1q41.
Variant type: single nucleotide variant.
Coding change: c.674A>T on transcript NM_003238.6 (MANE Select); coding-DNA position 674, A replaced by T.
Protein change: p.His225Leu; replaces histidine 225 with leucine.
Molecular consequence: missense variant. On other transcripts: non-coding transcript variant (2).
Genome position (GRCh38, 1-based): chr1:218,434,368, A>T. VCF-style: chr1-218434368-A-T. GRCh37 (hg19) VCF-style: chr1-218607710-A-T.
Other names: c.758A>T, p.His253Leu (NM_001135599.4); short protein forms H225L, H253L.
Identifiers: ClinVar variation 3968056 (VCV003968056.1).